The following is an entry in ClinVar:

NM_001170629.2(CHD8):c.3727T>C (p.Cys1243Arg)

Gene: CHD8 (chromodomain helicase DNA binding protein 8; minus strand). Cytogenetic location: 14q11.2.
Variant type: single nucleotide variant.
Coding change: c.3727T>C on transcript NM_001170629.2 (MANE Select); coding-DNA position 3727, T replaced by C.
Protein change: p.Cys1243Arg; replaces cysteine 1243 with arginine.
Molecular consequence: missense variant.
Genome position (GRCh38, 1-based): chr14:21,402,491, A>G on the plus strand (T>C on the coding strand, the complement: CHD8 is on the minus strand). VCF-style: chr14-21402491-A-G. GRCh37 (hg19) VCF-style: chr14-21870650-A-G.
Other names: c.2890T>C, p.Cys964Arg (NM_020920.4); short protein forms C964R, C1243R.
Identifiers: ClinVar variation 3648261 (VCV003648261.2).

ClinVar aggregate classification (germline): Uncertain significance (1 of 4 stars; one submission).

Submission:

Labcorp Genetics (formerly Invitae), Labcorp
Classification: Uncertain significance. Last evaluated: 2024-03-31. Review status: criteria provided, single submitter. Criteria: Invitae Variant Classification Sherloc (09022015). Collection method: clinical testing. Allele origin: germline.
Comment: This sequence change replaces cysteine, which is neutral and slightly polar, with arginine, which is basic and polar, at codon 1243 of the CHD8 protein (p.Cys1243Arg). This variant is not present in population databases (gnomAD no frequency). This variant has not been reported in the literature in individuals affected with CHD8-related conditions. Advanced modeling of protein sequence and biophysical properties (such as structural, functional, and spatial information, amino acid conservation, physicochemical variation, residue mobility, and thermodynamic stability) performed at Invitae indicates that this missense variant is expected to disrupt CHD8 protein function with a positive predictive value of 80%. In summary, the available evidence is currently insufficient to determine the role of this variant in disease. Therefore, it has been classified as a Variant of Uncertain Significance.